The following is an entry in ClinVar:

NM_020719.3(PRR12):c.4254C>A (p.Thr1418=)

Gene: PRR12 (proline rich 12; plus strand). Cytogenetic location: 19q13.33.
Variant type: single nucleotide variant.
Coding change: c.4254C>A on transcript NM_020719.3 (MANE Select); coding-DNA position 4254, C replaced by A.
Protein change: p.Thr1418=; no amino-acid change (threonine 1418 retained).
Molecular consequence: synonymous variant.
Genome position (GRCh38, 1-based): chr19:49,599,847, C>A. VCF-style: chr19-49599847-C-A. GRCh37 (hg19) VCF-style: chr19-50103104-C-A.
Identifiers: ClinVar variation 3043921 (VCV003043921.3), dbSNP rs56723924, ClinGen allele CA9578431.

ClinVar aggregate classification (germline): Likely benign. Review status: criteria provided, single submitter (1 of 4 stars). 2 submissions from 2 submitters: Likely benign (1). 1 of the submissions does not count toward it. Last evaluated 2024-11-01.

Conditions:
PRR12-related disorder. Also called: PRR12-related condition.

Allele frequency attached by ClinVar (database versions not stated): ExAC 0.00089; ESP Exome Variant Server 0.00276; gnomAD 0.00283; TOPMed 0.00303; 1000 Genomes Project 0.00339; 1000 Genomes Project 30x 0.00375.
gnomAD v4.1: 917 of 1,613,278 alleles (0.057%); highest among the groups gnomAD compares: African/African-American, 1.1%; 6 homozygotes.

Submissions (2):

Blueprint Genetics
Classification: Likely benign. Last evaluated: 2024-11-01. Review status: criteria provided, single submitter. Criteria: ACMG Guidelines, 2015. Collection method: clinical testing. Allele origin: germline.

PreventionGenetics, part of Exact Sciences
Classification: Benign for PRR12-related condition. Last evaluated: 2019-03-08. Review status: no assertion criteria provided. Collection method: clinical testing. Allele origin: germline. Not counted in ClinVar's aggregate classification.
Comment: This variant is classified as benign based on ACMG/AMP sequence variant interpretation guidelines (Richards et al. 2015 PMID: 25741868, with internal and published modifications).